The following is an entry in ClinVar:

ClinVar aggregate classification (germline): Conflicting classifications of pathogenicity. Review status: criteria provided, conflicting classifications (1 of 4 stars). 4 submissions from 4 submitters: Uncertain significance (3); Likely benign (1). Last evaluated 2024-09-17.

Conditions:
Arrhythmogenic cardiomyopathy with wooly hair and keratoderma. Also called: Dilated cardiomyopathy with woolly hair and keratoderma; PALMOPLANTAR KERATODERMA WITH LEFT VENTRICULAR CARDIOMYOPATHY AND WOOLLY HAIR; Arrhythmogenic cardiomyopathy with woolly hair and keratoderma; Carvajal syndrome. Identifiers: Orphanet 65282, MedGen C1854063, MONDO:0011581, OMIM 605676.
Arrhythmogenic right ventricular dysplasia 8 (ARVD8). Also called: Arrhythmogenic Right Ventricular Dysplasia/Cardiomyopathy 8; ARRHYTHMOGENIC RIGHT VENTRICULAR CARDIOMYOPATHY 8; ARRHYTHMOGENIC RIGHT VENTRICULAR DYSPLASIA, FAMILIAL, 8. Identifiers: MedGen C1843896, MONDO:0011831, OMIM 607450.

Allele frequency attached by ClinVar (database versions not stated): gnomAD exomes below 0.00001; ExAC 0.00001.

Submissions (4):

GeneDx
Classification: Uncertain significance. Last evaluated: 2024-09-17. Review status: criteria provided, single submitter. Criteria: GeneDx Variant Classification Process June 2021. Collection method: clinical testing. Allele origin: germline. Affected: yes.
Comment: Not observed at significant frequency in large population cohorts (gnomAD); In silico analysis supports that this missense variant has a deleterious effect on protein structure/function; Has not been previously published as pathogenic or benign to our knowledge

All of Us Research Program, National Institutes of Health
Classification: Uncertain significance for Arrhythmogenic cardiomyopathy with wooly hair and keratoderma. Last evaluated: 2024-05-30. Review status: criteria provided, single submitter. Criteria: ACMG Guidelines, 2015. Collection method: clinical testing. Allele origin: germline. Inheritance: Autosomal dominant inheritance. Observed: 2 variant alleles, 2 heterozygotes.
Comment: This missense variant replaces alanine with glycine at codon 2674 of the DSP protein. Computational prediction suggests that this variant may have deleterious impact on protein structure and function (internally defined REVEL score threshold >= 0.7, PMID: 27666373). To our knowledge, functional studies have not been reported for this variant. This variant has not been reported in individuals affected with DSP-related disorders in the literature. This variant has been identified in 1/251028 chromosomes in the general population by the Genome Aggregation Database (gnomAD). The available evidence is insufficient to determine the role of this variant in disease conclusively. Therefore, this variant is classified as a Variant of Uncertain Significance.

This study involves interpretation of variants in research participants for the purpose of population health screening. Participant phenotype was not available at the time of variant classification. Additional details can be found in publication PMID: 35346344, PMCID: PMC8962531

Labcorp Genetics (formerly Invitae), Labcorp
Classification: Likely benign for Arrhythmogenic cardiomyopathy with wooly hair and keratoderma; Arrhythmogenic right ventricular dysplasia 8. Last evaluated: 2022-08-25. Review status: criteria provided, single submitter. Criteria: Invitae Variant Classification Sherloc (09022015). Collection method: clinical testing. Allele origin: germline.

AiLife Diagnostics
Classification: Uncertain significance. Last evaluated: 2022-02-07. Review status: criteria provided, single submitter. Criteria: ACMG Guidelines, 2015. Collection method: clinical testing. Allele origin: germline. Affected: yes. Observed: 1 variant allele.

NM_004415.4(DSP):c.8021C>G (p.Ala2674Gly)

Gene: DSP (desmoplakin; plus strand). Cytogenetic location: 6p24.3.
Variant type: single nucleotide variant.
Coding change: c.8021C>G on transcript NM_004415.4 (MANE Select); coding-DNA position 8021, C replaced by G.
Protein change: p.Ala2674Gly; replaces alanine 2674 with glycine.
Molecular consequence: missense variant.
Genome position (GRCh38, 1-based): chr6:7,585,283, C>G. VCF-style: chr6-7585283-C-G. GRCh37 (hg19) VCF-style: chr6-7585516-C-G.
Other names: c.8021C>G (NM_004415.2); c.6224C>G, p.Ala2075Gly (NM_001008844.3); c.6692C>G, p.Ala2231Gly (NM_001319034.2); short protein forms A2075G, A2231G, A2674G.
Identifiers: ClinVar variation 1677901 (VCV001677901.9), dbSNP rs778480531, ClinGen allele CA051398.